The following is an entry in ClinVar:

NM_000742.4(CHRNA2):c.1464+20G>A

Gene: CHRNA2 (cholinergic receptor nicotinic alpha 2 subunit; minus strand). Cytogenetic location: 8p21.2.
Variant type: single nucleotide variant.
Coding change: c.1464+20G>A on transcript NM_000742.4 (MANE Select); 20 bases into the intron after coding-DNA position 1464, G replaced by A.
Molecular consequence: intron variant.
Genome position (GRCh38, 1-based): chr8:27,462,959, C>T on the plus strand (G>A on the coding strand, the complement: CHRNA2 is on the minus strand). VCF-style: chr8-27462959-C-T. GRCh37 (hg19) VCF-style: chr8-27320476-C-T.
Other names: c.987+20G>A (NM_001347705.2, NM_001347706.2); c.1419+20G>A (NM_001282455.2); c.870+20G>A (NM_001347708.2, NM_001347707.2).
Identifiers: ClinVar variation 380663 (VCV000380663.8), dbSNP rs377015162, ClinGen allele CA4689448.

ClinVar aggregate classification (germline): Likely benign. Review status: criteria provided, multiple submitters, no conflicts (2 of 4 stars). 2 submissions from 2 submitters: Likely benign (2). Last evaluated 2026-01-09.

Conditions:
Familial sleep-related hypermotor epilepsy. Also called: Autosomal Dominant Sleep-Related Hypermotor (Hyperkinetic) Epilepsy. Identifiers: Orphanet 98784, MedGen C3696898, MONDO:0000030.

Allele frequency attached by ClinVar (database versions not stated): ExAC 0.00012; gnomAD 0.00019; ESP Exome Variant Server 0.00031; TOPMed 0.00024; gnomAD exomes 0.00009 and 0.00010.
gnomAD v4.1: 168 of 1,613,804 alleles (0.01%); highest among the groups gnomAD compares: African/African-American, 0.039%; no homozygotes.

Submissions (2):

Labcorp Genetics (formerly Invitae), Labcorp
Classification: Likely benign. Last evaluated: 2026-01-09. Review status: criteria provided, single submitter. Criteria: Invitae Variant Classification Sherloc (09022015). Collection method: clinical testing. Allele origin: germline.

GeneDx
Classification: Likely benign. Last evaluated: 2016-04-19. Review status: criteria provided, single submitter. Criteria: GeneDx Variant Classification (06012015). Collection method: clinical testing. Allele origin: germline. Affected: yes.
Comment: This variant is considered likely benign or benign based on one or more of the following criteria: it is a conservative change, it occurs at a poorly conserved position in the protein, it is predicted to be benign by multiple in silico algorithms, and/or has population frequency not consistent with disease.